The following is an entry in ClinVar:

ClinVar aggregate classification (germline): Pathogenic (1 of 4 stars; one submission).

Allele frequency attached by ClinVar (database versions not stated): gnomAD exomes below 0.00001.

Submission:

Labcorp Genetics (formerly Invitae), Labcorp
Classification: Pathogenic. Last evaluated: 2023-06-16. Review status: criteria provided, single submitter. Criteria: Invitae Variant Classification Sherloc (09022015). Collection method: clinical testing. Allele origin: germline.
Comment: This variant has not been reported in the literature in individuals affected with CREB3L1-related conditions. ClinVar contains an entry for this variant (Variation ID: 1914965). For these reasons, this variant has been classified as Pathogenic. This variant is not present in population databases (gnomAD no frequency). This sequence change creates a premature translational stop signal (p.Arg293Lysfs*26) in the CREB3L1 gene. It is expected to result in an absent or disrupted protein product. Loss-of-function variants in CREB3L1 are known to be pathogenic (PMID: 19767743, 29936144, 31207160).

Literature cited by the submitters: PubMed 19767743; PubMed 29936144; PubMed 31207160.

NM_052854.4(CREB3L1):c.878del (p.Arg293fs)

Gene: CREB3L1 (cAMP responsive element binding protein 3 like 1; plus strand). Cytogenetic location: 11p11.2.
Variant type: Deletion.
Coding change: c.878del on transcript NM_052854.4 (MANE Select); coding-DNA position 878, one base deleted (G; older notation c.878delG).
Protein change: p.Arg293fs; shifts the reading frame from arginine 293.
Molecular consequence: frameshift variant.
Genome position (GRCh38, 1-based): chr11:46,312,449, G deleted. VCF-style (leftmost placement, unchanged base first): chr11-46312448-AG-A. GRCh37 (hg19) VCF-style: chr11-46333999-AG-A.
Other names: short protein forms R293fs.
Identifiers: ClinVar variation 1914965 (VCV001914965.5), dbSNP rs2496169948, ClinGen allele CA2580084124.